The following is an entry in ClinVar:

NM_032447.5(FBN3):c.7004G>A (p.Arg2335His)

Gene: FBN3 (fibrillin 3; minus strand). Cytogenetic location: 19p13.2.
Variant type: single nucleotide variant.
Coding change: c.7004G>A on transcript NM_032447.5 (MANE Select); coding-DNA position 7004, G replaced by A.
Protein change: p.Arg2335His; replaces arginine 2335 with histidine.
Molecular consequence: missense variant.
Genome position (GRCh38, 1-based): chr19:8,085,446, C>T on the plus strand (G>A on the coding strand, the complement: FBN3 is on the minus strand). VCF-style: chr19-8085446-C-T. GRCh37 (hg19) VCF-style: chr19-8150330-C-T.
Other names: c.7004G>A (NM_032447.3); c.7004G>A, p.Arg2335His (NM_001321431.2); short protein forms R2335H.
Identifiers: ClinVar variation 2166981 (VCV002166981.5), dbSNP rs767001525, ClinGen allele CA9151026.
Genomic context (GRCh38, chr19:8,085,446, plus strand): 5'-GAGCCATGGGGGCACAGCTTCCTGTAGGCAGAGGTGCCGGGCAGGGGACAGAGCTCGCAG[C>T]GGGGCCCCCAGCCCCGGCCACCCCCACAGCAGCACTCGGCCCTGGTGACAGCCTCACTGC-3'
Protein context (NP_115823.3, residues 2325-2345): CCGGGRGWGP[Arg2335His]CELCPLPGTS

ClinVar aggregate classification (germline): Conflicting classifications of pathogenicity. Review status: criteria provided, conflicting classifications (1 of 4 stars). 2 submissions from 2 submitters: Uncertain significance (1); Likely benign (1). Last evaluated 2025-06-30.

Allele frequency attached by ClinVar (database versions not stated): TOPMed 0.00002; gnomAD 0.00003.
gnomAD v4.1: 15 of 1,576,668 alleles (0.00095%); highest among the groups gnomAD compares: Admixed American, 0.0075%; no homozygotes.

Submissions (2):

Labcorp Genetics (formerly Invitae), Labcorp
Classification: Uncertain significance. Last evaluated: 2025-06-30. Review status: criteria provided, single submitter. Criteria: Invitae Variant Classification Sherloc (09022015). Collection method: clinical testing. Allele origin: germline.
Comment: This sequence change replaces arginine, which is basic and polar, with histidine, which is basic and polar, at codon 2335 of the FBN3 protein (p.Arg2335His). The frequency data for this variant in the population databases is considered unreliable, as metrics indicate poor data quality at this position in the gnomAD database. This variant has not been reported in the literature in individuals affected with FBN3-related conditions. ClinVar contains an entry for this variant (Variation ID: 2166981). An algorithm developed to predict the effect of missense changes on protein structure and function outputs the following: PolyPhen-2: "Benign". The histidine amino acid residue is found in multiple mammalian species, which suggests that this missense change does not adversely affect protein function. In summary, the available evidence is currently insufficient to determine the role of this variant in disease. Therefore, it has been classified as a Variant of Uncertain Significance.

Ambry Genetics
Classification: Likely benign. Last evaluated: 2025-06-09. Review status: criteria provided, single submitter. Criteria: Ambry Variant Classification Scheme 2023. Collection method: clinical testing. Allele origin: germline.